The following is an entry in ClinVar:

NM_004329.3(BMPR1A):c.890A>G (p.Lys297Arg)

Gene: BMPR1A (bone morphogenetic protein receptor type 1A; plus strand). Cytogenetic location: 10q23.2.
Variant type: single nucleotide variant.
Coding change: c.890A>G on transcript NM_004329.3 (MANE Select); coding-DNA position 890, A replaced by G.
Protein change: p.Lys297Arg; replaces lysine 297 with arginine.
Molecular consequence: missense variant.
Genome position (GRCh38, 1-based): chr10:86,919,193, A>G. VCF-style: chr10-86919193-A-G. GRCh37 (hg19) VCF-style: chr10-88678950-A-G.
Other names: c.890A>G (NM_004329.2); short protein forms K297R.
Identifiers: ClinVar variation 1062022 (VCV001062022.8), dbSNP rs2133589242, ClinGen allele CA377459856.

ClinVar aggregate classification (germline): Uncertain significance. Review status: criteria provided, multiple submitters, no conflicts (2 of 4 stars). 2 submissions from 2 submitters: Uncertain significance (2). Last evaluated 2025-10-03.

Conditions:
Juvenile polyposis syndrome (JPS). Identifiers: Orphanet 2929, MedGen C0345893, MONDO:0017380, OMIM 174900.
Hereditary cancer-predisposing syndrome. Also called: Tumor predisposition; Neoplastic Syndromes, Hereditary; Hereditary Cancer Syndrome; Hereditary neoplastic syndrome. Identifiers: Orphanet 140162, MedGen C0027672, MeSH D009386, MONDO:0015356.

Submissions (2):

Ambry Genetics
Classification: Uncertain significance for Hereditary cancer-predisposing syndrome. Last evaluated: 2025-10-03. Review status: criteria provided, single submitter. Criteria: Ambry Variant Classification Scheme 2023. Collection method: clinical testing. Allele origin: germline.
Comment: The p.K297R variant (also known as c.890A>G), located in coding exon 8 of the BMPR1A gene, results from an A to G substitution at nucleotide position 890. The lysine at codon 297 is replaced by arginine, an amino acid with highly similar properties. This amino acid position is conserved. In addition, this alteration is predicted to be tolerated by in silico analysis. Based on the available evidence, the clinical significance of this variant remains unclear.

Labcorp Genetics (formerly Invitae), Labcorp
Classification: Uncertain significance for Juvenile polyposis syndrome. Last evaluated: 2022-10-24. Review status: criteria provided, single submitter. Criteria: Invitae Variant Classification Sherloc (09022015). Collection method: clinical testing. Allele origin: germline.
Comment: This sequence change replaces lysine, which is basic and polar, with arginine, which is basic and polar, at codon 297 of the BMPR1A protein (p.Lys297Arg). This variant is not present in population databases (gnomAD no frequency). This variant has not been reported in the literature in individuals affected with BMPR1A-related conditions. ClinVar contains an entry for this variant (Variation ID: 1062022). Advanced modeling of protein sequence and biophysical properties (such as structural, functional, and spatial information, amino acid conservation, physicochemical variation, residue mobility, and thermodynamic stability) performed at Invitae indicates that this missense variant is not expected to disrupt BMPR1A protein function. In summary, the available evidence is currently insufficient to determine the role of this variant in disease. Therefore, it has been classified as a Variant of Uncertain Significance.